The following is an entry in ClinVar:

ClinVar aggregate classification (germline): Uncertain significance (1 of 4 stars; one submission).

Conditions:
Hereditary cancer-predisposing syndrome. Also called: Neoplastic Syndromes, Hereditary; Tumor predisposition; Hereditary neoplastic syndrome; Hereditary Cancer Syndrome. Identifiers: Orphanet 140162, MedGen C0027672, MeSH D009386, MONDO:0015356.

Submission:

Ambry Genetics
Classification: Uncertain significance for Hereditary cancer-predisposing syndrome. Last evaluated: 2026-09-05. Review status: criteria provided, single submitter. Criteria: Ambry Variant Classification Scheme 2023. Collection method: clinical testing. Allele origin: germline.
Comment: The p.V348E variant (also known as c.1043T>A), located in coding exon 9 of the BRCA2 gene, results from a T to A substitution at nucleotide position 1043. The valine at codon 348 is replaced by glutamic acid, an amino acid with dissimilar properties. This amino acid position is conserved. In addition, this alteration is predicted to be tolerated by in silico analysis. Based on the available evidence, the clinical significance of this variant remains unclear.

NM_000059.4(BRCA2):c.1043T>A (p.Val348Glu)

Gene: BRCA2 (BRCA2 DNA repair associated; plus strand). Cytogenetic location: 13q13.1.
Variant type: single nucleotide variant.
Coding change: c.1043T>A on transcript NM_000059.4 (MANE Select); coding-DNA position 1043, T replaced by A.
Protein change: p.Val348Glu; replaces valine 348 with glutamic acid.
Molecular consequence: missense variant. On other transcripts: non-coding transcript variant (1), intron variant (1).
Genome position (GRCh38, 1-based): chr13:32,332,521, T>A. VCF-style: chr13-32332521-T-A. GRCh37 (hg19) VCF-style: chr13-32906658-T-A.
Other names: c.1043T>A, p.Val348Glu (NM_001406719.1, NM_001406720.1, NM_001406721.1 and 1 more transcripts); c.424+1491T>A (NM_001406722.1); short protein forms V348E.
Identifiers: ClinVar variation 5033369 (VCV005033369.1).